The following is an entry in ClinVar:

ClinVar aggregate classification (germline): Uncertain significance (1 of 4 stars; one submission).

Conditions:
Familial cancer of breast. Also called: hereditary breast carcinoma; BREAST CANCER, FAMILIAL; Hereditary breast cancer. Identifiers: Orphanet 227535, MedGen C0346153, MONDO:0016419, OMIM 114480. Disease mechanism: loss of function.

Submission:

Labcorp Genetics (formerly Invitae), Labcorp
Classification: Uncertain significance for Familial cancer of breast. Last evaluated: 2023-03-04. Review status: criteria provided, single submitter. Criteria: Invitae Variant Classification Sherloc (09022015). Collection method: clinical testing. Allele origin: germline.
Comment: In summary, the available evidence is currently insufficient to determine the role of this variant in disease. Therefore, it has been classified as a Variant of Uncertain Significance. Advanced modeling of protein sequence and biophysical properties (such as structural, functional, and spatial information, amino acid conservation, physicochemical variation, residue mobility, and thermodynamic stability) performed at Invitae indicates that this missense variant is not expected to disrupt PALB2 protein function. This variant has not been reported in the literature in individuals affected with PALB2-related conditions. This variant is not present in population databases (gnomAD no frequency). This sequence change replaces cysteine, which is neutral and slightly polar, with serine, which is neutral and polar, at codon 949 of the PALB2 protein (p.Cys949Ser).

NM_024675.4(PALB2):c.2846G>C (p.Cys949Ser)

Gene: PALB2 (partner and localizer of BRCA2; minus strand). Cytogenetic location: 16p12.2.
Variant type: single nucleotide variant.
Coding change: c.2846G>C on transcript NM_024675.4 (MANE Select); coding-DNA position 2846, G replaced by C.
Protein change: p.Cys949Ser; replaces cysteine 949 with serine.
Molecular consequence: missense variant. On other transcripts: intron variant (1).
Genome position (GRCh38, 1-based): chr16:23,623,119, C>G on the plus strand (G>C on the coding strand, the complement: PALB2 is on the minus strand). VCF-style: chr16-23623119-C-G. GRCh37 (hg19) VCF-style: chr16-23634440-C-G.
Other names: c.2786G>C, p.Cys929Ser (NM_001407296.1); c.2774G>C, p.Cys925Ser (NM_001407297.1); c.2684G>C, p.Cys895Ser (NM_001407298.1, NM_001407302.1); c.2846G>C, p.Cys949Ser (NM_001407299.1, NM_001407301.1); c.1961G>C, p.Cys654Ser (NM_001407304.1, NM_001407305.1, NM_001407306.1 and 4 more transcripts); c.1799G>C, p.Cys600Ser (NM_001407307.1); c.1058G>C, p.Cys353Ser (NM_001407312.1, NM_001407313.1); c.380G>C, p.Cys127Ser (NM_001407314.1); and 1 more; short protein forms C353S, C654S, C127S, C600S, C929S, C895S, C925S, C949S.
Identifiers: ClinVar variation 2842765 (VCV002842765.3), dbSNP rs587778588, ClinGen allele CA395144504.